The following is an entry in ClinVar:

ClinVar aggregate classification (germline): Pathogenic (1 of 4 stars; one submission).

Conditions:
Hereditary cancer-predisposing syndrome. Also called: Neoplastic Syndromes, Hereditary; Tumor predisposition; Hereditary neoplastic syndrome; Hereditary Cancer Syndrome. Identifiers: Orphanet 140162, MedGen C0027672, MeSH D009386, MONDO:0015356.

Submission:

Ambry Genetics
Classification: Pathogenic for Hereditary cancer-predisposing syndrome. Last evaluated: 2024-03-11. Review status: criteria provided, single submitter. Criteria: Ambry Variant Classification Scheme 2023. Collection method: clinical testing. Allele origin: germline.
Comment: The c.901_902delAA pathogenic mutation, located in coding exon 9 of the BRCA1 gene, results from a deletion of two nucleotides at nucleotide positions 901 to 902, causing a translational frameshift with a predicted alternate stop codon (p.K301Gfs*2). This variant is considered to be rare based on population cohorts in the Genome Aggregation Database (gnomAD). This alteration is expected to result in loss of function by premature protein truncation or nonsense-mediated mRNA decay. As such, this alteration is interpreted as a disease-causing mutation.

NM_007294.4(BRCA1):c.901_902del (p.Lys301fs)

Gene: BRCA1 (BRCA1 DNA repair associated; minus strand). Cytogenetic location: 17q21.31.
Variant type: Deletion.
Coding change: c.901_902del on transcript NM_007294.4 (MANE Select); coding-DNA positions 901 to 902, 2 bases deleted (AA; older notation c.901_902delAA).
Protein change: p.Lys301fs; shifts the reading frame from lysine 301.
Molecular consequence: frameshift variant. On other transcripts: intron variant (137).
Genome position (GRCh38, 1-based): chr17:43,094,629-43,094,630, TT deleted on the plus strand (AA on the coding strand, the reverse complement: BRCA1 is on the minus strand); deleting any 2 consecutive bases within chr17:43,094,629-43,094,632 gives the same sequence; the c. name uses the placement nearest the transcript's 3' end. VCF-style (leftmost placement, unchanged base first): chr17-43094628-CTT-C. GRCh37 (hg19) VCF-style: chr17-41246645-CTT-C.
Other names: c.757_758del, p.Lys253fs (NM_001407841.1, NM_001407842.1, NM_001407843.1 and 20 more transcripts); c.760_761del, p.Lys254fs (NM_001407850.1, NM_001407851.1, NM_001407852.1 and 29 more transcripts); c.688_689del, p.Lys230fs (NM_001407853.1, NM_001407894.1, NM_001407895.1 and 9 more transcripts); c.901_902del, p.Lys301fs (NM_001407854.1, NM_001407858.1, NM_001407859.1 and 30 more transcripts); c.898_899del, p.Lys300fs (NM_001407860.1, NM_001407861.1, NM_001407587.1 and 22 more transcripts); c.700_701del, p.Lys234fs (NM_001407862.1); c.778_779del, p.Lys260fs (NM_001407863.1, NM_001407919.1, NM_001407937.1 and 19 more transcripts); c.697_698del, p.Lys233fs (NM_001407874.1, NM_001407875.1); and 41 more; short protein forms K133fs, K173fs, K174fs, K189fs, K190fs, K212fs, K213fs, K230fs.
Identifiers: ClinVar variation 3226180 (VCV003226180.1), dbSNP rs2552227360, ClinGen allele CA2825002520.